The following is an entry in ClinVar:

NM_030665.4(RAI1):c.5565+3A>G

Gene: RAI1 (retinoic acid induced 1; plus strand). Cytogenetic location: 17p11.2.
Variant type: single nucleotide variant.
Coding change: c.5565+3A>G on transcript NM_030665.4 (MANE Select); 3 bases into the intron after coding-DNA position 5565, A replaced by G.
Molecular consequence: intron variant.
Genome position (GRCh38, 1-based): chr17:17,798,516, A>G. VCF-style: chr17-17798516-A-G. GRCh37 (hg19) VCF-style: chr17-17701830-A-G.
Identifiers: ClinVar variation 4998936 (VCV004998936.1).

ClinVar aggregate classification (germline): Likely benign (1 of 4 stars; one submission).

Conditions:
RAI1-related disorder. Also called: RAI1-related condition.

gnomAD v4.1: 2 of 1,599,630 alleles (0.00013%); highest among the groups gnomAD compares: Non-Finnish European, 0.00017%; no homozygotes.

Submission:

PreventionGenetics, part of Exact Sciences
Classification: Likely benign for RAI1-related condition. Last evaluated: 2025-05-21. Review status: criteria provided, single submitter. Criteria: ACMG Guidelines, 2015. Collection method: clinical testing. Allele origin: germline.
Comment: This variant is classified as likely benign based on ACMG/AMP sequence variant interpretation guidelines (Richards et al. 2015 PMID: 25741868, with internal and published modifications).